The following is an entry in ClinVar:

NM_000168.6(GLI3):c.4165T>C (p.Phe1389Leu)

Gene: GLI3 (GLI family zinc finger 3; minus strand). Cytogenetic location: 7p14.1.
Variant type: single nucleotide variant.
Coding change: c.4165T>C on transcript NM_000168.6 (MANE Select); coding-DNA position 4165, T replaced by C.
Protein change: p.Phe1389Leu; replaces phenylalanine 1389 with leucine.
Molecular consequence: missense variant.
Genome position (GRCh38, 1-based): chr7:41,964,908, A>G on the plus strand (T>C on the coding strand, the complement: GLI3 is on the minus strand). VCF-style: chr7-41964908-A-G. GRCh37 (hg19) VCF-style: chr7-42004506-A-G.
Other names: short protein forms F1389L.
Identifiers: ClinVar variation 3760313 (VCV003760313.2).

ClinVar aggregate classification (germline): Uncertain significance (1 of 4 stars; one submission).

Conditions:
Pallister-Hall syndrome (PHS). Also called: HYPOTHALAMIC HAMARTOBLASTOMA, HYPOPITUITARISM, IMPERFORATE ANUS, AND POSTAXIAL POLYDACTYLY; GLI3-Related Pallister-Hall Syndrome. Identifiers: Orphanet 672, MedGen C0265220, MONDO:0007804, OMIM 146510.
Greig cephalopolysyndactyly syndrome (GCPS). Also called: GLI3-Related Greig Cephalopolysyndactyly Syndrome; POLYSYNDACTYLY WITH PECULIAR SKULL SHAPE; Greig syndrome. Identifiers: Orphanet 380, MedGen C0265306, MONDO:0008287, OMIM 175700.

gnomAD v4.1: 3 of 1,613,768 alleles (0.00019%); highest among the groups gnomAD compares: Non-Finnish European, 0.00025%; no homozygotes.

Submission:

Labcorp Genetics (formerly Invitae), Labcorp
Classification: Uncertain significance for Pallister-Hall syndrome; Greig cephalopolysyndactyly syndrome. Last evaluated: 2025-01-18. Review status: criteria provided, single submitter. Criteria: Invitae Variant Classification Sherloc (09022015). Collection method: clinical testing. Allele origin: germline.
Comment: This sequence change replaces phenylalanine, which is neutral and non-polar, with leucine, which is neutral and non-polar, at codon 1389 of the GLI3 protein (p.Phe1389Leu). This variant is present in population databases (rs766399192, gnomAD 0.0009%). This variant has not been reported in the literature in individuals affected with GLI3-related conditions. Invitae Evidence Modeling of protein sequence and biophysical properties (such as structural, functional, and spatial information, amino acid conservation, physicochemical variation, residue mobility, and thermodynamic stability) indicates that this missense variant is not expected to disrupt GLI3 protein function with a negative predictive value of 95%. In summary, the available evidence is currently insufficient to determine the role of this variant in disease. Therefore, it has been classified as a Variant of Uncertain Significance.